The following is an entry in ClinVar:

NM_207122.2(EXT2):c.374C>G (p.Thr125Ser)

Gene: EXT2 (exostosin glycosyltransferase 2; plus strand). Cytogenetic location: 11p11.2.
Variant type: single nucleotide variant.
Coding change: c.374C>G on transcript NM_207122.2 (MANE Select); coding-DNA position 374, C replaced by G.
Protein change: p.Thr125Ser; replaces threonine 125 with serine.
Molecular consequence: missense variant.
Genome position (GRCh38, 1-based): chr11:44,108,086, C>G. VCF-style: chr11-44108086-C-G. GRCh37 (hg19) VCF-style: chr11-44129636-C-G.
Other names: c.473C>G, p.Thr158Ser (NM_000401.3); c.374C>G, p.Thr125Ser (NM_001178083.3, NM_001389628.1, NM_001389630.1); short protein forms T125S, T158S.
Identifiers: ClinVar variation 1985328 (VCV001985328.4), dbSNP rs746977743, ClinGen allele CA380180215.

ClinVar aggregate classification (germline): Uncertain significance (1 of 4 stars; one submission).

Conditions:
Exostoses, multiple, type 2 (EXT2). Also called: Hereditary Multiple Osteochondromatosis, Type II; EXOSTOSES, MULTIPLE, TYPE II. Identifiers: Orphanet 321, MedGen C1851413, MONDO:0007586, OMIM 133701.

gnomAD v4.1: 1 of 1,614,194 alleles (0.000062%); no homozygotes.

Submission:

Labcorp Genetics (formerly Invitae), Labcorp
Classification: Uncertain significance for Exostoses, multiple, type 2. Last evaluated: 2022-01-12. Review status: criteria provided, single submitter. Criteria: Invitae Variant Classification Sherloc (09022015). Collection method: clinical testing. Allele origin: germline.
Comment: In summary, the available evidence is currently insufficient to determine the role of this variant in disease. Therefore, it has been classified as a Variant of Uncertain Significance. Algorithms developed to predict the effect of missense changes on protein structure and function (SIFT, PolyPhen-2, Align-GVGD) all suggest that this variant is likely to be tolerated. This sequence change replaces threonine, which is neutral and polar, with serine, which is neutral and polar, at codon 125 of the EXT2 protein (p.Thr125Ser). This variant is not present in population databases (gnomAD no frequency). This variant has not been reported in the literature in individuals affected with EXT2-related conditions.